The following is an entry in ClinVar:

ClinVar aggregate classification (germline): Uncertain significance (1 of 4 stars; one submission).

Conditions:
PLXNA3-related disorder. Also called: PLXNA3-related condition.

Allele frequency attached by ClinVar (database versions not stated): gnomAD 0.00001; gnomAD exomes 0.00001; ExAC 0.00002; TOPMed 0.00002.

Submission:

PreventionGenetics, part of Exact Sciences
Classification: Uncertain significance for PLXNA3-related condition. Last evaluated: 2024-12-02. Review status: criteria provided, single submitter. Criteria: ACMG Guidelines, 2015. Collection method: clinical testing. Allele origin: germline.
Comment: The PLXNA3 c.2087T>C variant is predicted to result in the amino acid substitution p.Val696Ala. To our knowledge, this variant has not been reported in the literature. This variant is reported in 0.0026% of alleles in individuals of European (Non-Finnish) descent in gnomAD. At this time, the clinical significance of this variant is uncertain due to the absence of conclusive functional and genetic evidence.

NM_017514.5(PLXNA3):c.2087T>C (p.Val696Ala)

Gene: PLXNA3 (plexin A3; plus strand). Cytogenetic location: Xq28.
Variant type: single nucleotide variant.
Coding change: c.2087T>C on transcript NM_017514.5 (MANE Select); coding-DNA position 2087, T replaced by C.
Protein change: p.Val696Ala; replaces valine 696 with alanine.
Molecular consequence: missense variant.
Genome position (GRCh38, 1-based): chrX:154,465,061, T>C. VCF-style: chrX-154465061-T-C. GRCh37 (hg19) VCF-style: chrX-153693404-T-C.
Other names: short protein forms V696A.
Identifiers: ClinVar variation 2634625 (VCV002634625.2), dbSNP rs782056412, ClinGen allele CA10564273.